The following is an entry in ClinVar:

NM_004100.5(EYA4):c.43A>C (p.Thr15Pro)

Gene: EYA4 (EYA transcriptional coactivator and phosphatase 4; plus strand). Cytogenetic location: 6q23.2.
Variant type: single nucleotide variant.
Coding change: c.43A>C on transcript NM_004100.5 (MANE Select); coding-DNA position 43, A replaced by C.
Protein change: p.Thr15Pro; replaces threonine 15 with proline.
Molecular consequence: missense variant.
Genome position (GRCh38, 1-based): chr6:133,382,401, A>C. VCF-style: chr6-133382401-A-C. GRCh37 (hg19) VCF-style: chr6-133703539-A-C.
Other names: c.43A>C, p.Thr15Pro (NM_001301012.2, NM_001301013.2, NM_001370458.1 and 3 more transcripts); short protein forms T15P.
Identifiers: ClinVar variation 3511142 (VCV003511142.2).

ClinVar aggregate classification (germline): Uncertain significance. Review status: criteria provided, multiple submitters, no conflicts (2 of 4 stars). 2 submissions from 2 submitters: Uncertain significance (2). Last evaluated 2025-10-13.

Conditions:
Dilated cardiomyopathy 1J (CMD1J). Also called: CARDIOMYOPATHY, DILATED, WITH SENSORINEURAL HEARING LOSS, AUTOSOMAL DOMINANT. Identifiers: Orphanet 217622, MedGen C1854368, MONDO:0011541, OMIM 605362.
Cardiovascular phenotype. Identifiers: MedGen CN230736.

gnomAD v4.1: 1 of 1,609,488 alleles (0.000062%); highest among the groups gnomAD compares: African/African-American, 0.0013%; no homozygotes.

Submissions (2):

Labcorp Genetics (formerly Invitae), Labcorp
Classification: Uncertain significance for Dilated cardiomyopathy 1J. Last evaluated: 2025-10-13. Review status: criteria provided, single submitter. Criteria: Invitae Variant Classification Sherloc (09022015). Collection method: clinical testing. Allele origin: germline.
Comment: This sequence change replaces threonine, which is neutral and polar, with proline, which is neutral and non-polar, at codon 15 of the EYA4 protein (p.Thr15Pro). This variant is not present in population databases (gnomAD no frequency). This variant has not been reported in the literature in individuals affected with EYA4-related conditions. ClinVar contains an entry for this variant (Variation ID: 3511142). An algorithm developed to predict the effect of missense changes on protein structure and function (PolyPhen-2) suggests that this variant is likely to be tolerated. In summary, the available evidence is currently insufficient to determine the role of this variant in disease. Therefore, it has been classified as a Variant of Uncertain Significance.

Ambry Genetics
Classification: Uncertain significance for Cardiovascular phenotype. Last evaluated: 2024-08-28. Review status: criteria provided, single submitter. Criteria: Ambry Variant Classification Scheme 2023. Collection method: clinical testing. Allele origin: germline.
Comment: The p.T15P variant (also known as c.43A>C), located in coding exon 2 of the EYA4 gene, results from an A to C substitution at nucleotide position 43. The threonine at codon 15 is replaced by proline, an amino acid with highly similar properties. This amino acid position is conserved. In addition, the in silico prediction for this alteration is inconclusive. Based on the available evidence, the clinical significance of this variant remains unclear.